The following is an entry in ClinVar:

NM_000278.5(PAX2):c.117G>T (p.Gln39His)

Gene: PAX2 (paired box 2; plus strand). Cytogenetic location: 10q24.31.
Variant type: single nucleotide variant.
Coding change: c.117G>T on transcript NM_000278.5 (MANE Select); coding-DNA position 117, G replaced by T.
Protein change: p.Gln39His; replaces glutamine 39 with histidine.
Molecular consequence: missense variant.
Genome position (GRCh38, 1-based): chr10:100,749,819, G>T. VCF-style: chr10-100749819-G-T. GRCh37 (hg19) VCF-style: chr10-102509576-G-T.
Other names: c.210G>T, p.Gln70His (NM_001304569.2); c.117G>T, p.Gln39His (NM_003987.5, NM_003988.5, NM_003989.5 and 1 more transcripts); short protein forms Q39H, Q70H.
Identifiers: ClinVar variation 1424374 (VCV001424374.7), dbSNP rs141576824, ClinGen allele CA5650651.
Genomic context (GRCh38, chr10:100,749,819, plus strand): 5'-TGTGAACCAGCTCGGGGGGGTGTTTGTGAACGGCCGGCCCCTACCCGACGTGGTGAGGCA[G>T]CGCATCGTGGAGCTGGCCCACCAGGGTGTGCGGCCCTGTGACATCTCCCGGCAGCTGCGG-3'
Protein context (NP_000269.3, residues 29-49): NGRPLPDVVR[Gln39His]RIVELAHQGV

ClinVar aggregate classification (germline): Conflicting classifications of pathogenicity. Review status: criteria provided, conflicting classifications (1 of 4 stars). 2 submissions from 2 submitters: Uncertain significance (1); Likely benign (1). Last evaluated 2025-06-12.

Conditions:
Focal segmental glomerulosclerosis 7 (FSGS7). Identifiers: Orphanet 656, MedGen C4014925, MONDO:0014451, OMIM 616002.
Renal coloboma syndrome (PAPRS). Also called: COLOBOMA OF OPTIC NERVE WITH RENAL DISEASE; OPTIC COLOBOMA, VESICOURETERAL REFLUX, AND RENAL ANOMALIES; OPTIC NERVE COLOBOMA WITH RENAL DISEASE; PAPILLORENAL SYNDROME WITH MILD OCULAR ABNORMALITIES; CONGENITAL ANOMALIES OF THE KIDNEY AND URINARY TRACT WITH OR WITHOUT OCULAR ABNORMALITIES; CAKUT WITH OR WITHOUT OCULAR ABNORMALITIES. Identifiers: Orphanet 1475, MedGen C1852759, MONDO:0007352, OMIM 120330.

Allele frequency attached by ClinVar (database versions not stated): ExAC 0.00005; gnomAD exomes 0.00005; gnomAD 0.00007 and 0.00008; TOPMed 0.00014; ESP Exome Variant Server 0.00031.
gnomAD v4.1: 20 of 1,611,592 alleles (0.0012%); highest among the groups gnomAD compares: African/African-American, 0.025%; no homozygotes.

Submissions (2):

Labcorp Genetics (formerly Invitae), Labcorp
Classification: Uncertain significance for Renal coloboma syndrome; Focal segmental glomerulosclerosis 7. Last evaluated: 2025-06-12. Review status: criteria provided, single submitter. Criteria: Invitae Variant Classification Sherloc (09022015). Collection method: clinical testing. Allele origin: germline.
Comment: This sequence change replaces glutamine, which is neutral and polar, with histidine, which is basic and polar, at codon 39 of the PAX2 protein (p.Gln39His). This variant is present in population databases (rs141576824, gnomAD 0.05%). This variant has not been reported in the literature in individuals affected with PAX2-related conditions. ClinVar contains an entry for this variant (Variation ID: 1424374). An algorithm developed to predict the effect of missense changes on protein structure and function (PolyPhen-2) suggests that this variant is likely to be disruptive. In summary, the available evidence is currently insufficient to determine the role of this variant in disease. Therefore, it has been classified as a Variant of Uncertain Significance.

Blueprint Genetics
Classification: Likely benign. Last evaluated: 2022-08-30. Review status: criteria provided, single submitter. Criteria: ACMG Guidelines, 2015. Collection method: clinical testing. Allele origin: germline.